The following is an entry in ClinVar:

NM_206933.4(USH2A):c.15126del (p.Trp5042fs)

Gene: USH2A (usherin; minus strand). Cytogenetic location: 1q41.
Variant type: Deletion.
Coding change: c.15126del on transcript NM_206933.4 (MANE Select); coding-DNA position 15126, one base deleted (G; older notation c.15126delG).
Protein change: p.Trp5042fs; shifts the reading frame from tryptophan 5042.
Molecular consequence: frameshift variant.
Genome position (GRCh38, 1-based): chr1:215,634,630, C deleted on the plus strand (G on the coding strand, the reverse complement: USH2A is on the minus strand); the first of 2 consecutive C bases (chr1:215,634,630-215,634,631); deleting either gives the same sequence. VCF-style (leftmost placement, unchanged base first): chr1-215634629-AC-A. GRCh37 (hg19) VCF-style: chr1-215807971-AC-A.
Other names: short protein forms W5042fs.
Identifiers: ClinVar variation 2194870 (VCV002194870.6), dbSNP rs2464772258, ClinGen allele CA2548364347.

ClinVar aggregate classification (germline): Pathogenic/Likely pathogenic. Review status: criteria provided, multiple submitters, no conflicts (2 of 4 stars). 3 submissions from 3 submitters: Pathogenic (1); Likely pathogenic (2). Last evaluated 2023-11-07.

Conditions:
USH2A-related disorder. Also called: USH2A-related disorders; USH2A-related condition. Identifiers: MedGen CN239332.
Retinitis pigmentosa 39 (RP39). Identifiers: Orphanet 791, MedGen C3151138, MONDO:0013436, OMIM 613809.

Submissions (3):

Blueprint Genetics
Classification: Likely pathogenic for USH2A-related disorders. Last evaluated: 2023-11-07. Review status: criteria provided, single submitter. Criteria: ACMG Guidelines, 2015. Collection method: clinical testing. Allele origin: germline. Affected: yes. Observed: 1 variant allele.

Labcorp Genetics (formerly Invitae), Labcorp
Classification: Pathogenic. Last evaluated: 2023-06-20. Review status: criteria provided, single submitter. Criteria: Invitae Variant Classification Sherloc (09022015). Collection method: clinical testing. Allele origin: germline.
Comment: For these reasons, this variant has been classified as Pathogenic. ClinVar contains an entry for this variant (Variation ID: 2194870). This variant has not been reported in the literature in individuals affected with USH2A-related conditions. This variant is not present in population databases (gnomAD no frequency). This sequence change creates a premature translational stop signal (p.Trp5042Cysfs*3) in the USH2A gene. It is expected to result in an absent or disrupted protein product. Loss-of-function variants in USH2A are known to be pathogenic (PMID: 10729113, 10909849, 20507924, 25649381).

Baylor Genetics
Classification: Likely pathogenic for Retinitis pigmentosa 39. Last evaluated: 2022-09-14. Review status: criteria provided, single submitter. Criteria: ACMG Guidelines, 2015. Collection method: clinical testing. Allele origin: unknown.

Literature cited by the submitters: PubMed 10729113 (cited by Labcorp Genetics (formerly Invitae), Labcorp); PubMed 10909849 (cited by Labcorp Genetics (formerly Invitae), Labcorp); PubMed 20507924 (cited by Labcorp Genetics (formerly Invitae), Labcorp); PubMed 25649381 (cited by Labcorp Genetics (formerly Invitae), Labcorp).